The following is an entry in ClinVar:

ClinVar aggregate classification (germline): Pathogenic (1 of 4 stars; one submission).

Submission:

Labcorp Genetics (formerly Invitae), Labcorp
Classification: Pathogenic. Last evaluated: 2023-12-14. Review status: criteria provided, single submitter. Criteria: Invitae Variant Classification Sherloc (09022015). Collection method: clinical testing. Allele origin: unknown.
Comment: A gross deletion of the genomic region encompassing the full coding sequence of the MBD4 gene has been identified. Loss-of-function variants in MBD4 are known to be pathogenic (PMID: 30049810, 35460607). The boundaries of this event are unknown as they extend beyond the assayed region for this gene and therefore may encompass additional genes. This variant has not been reported in the literature in individuals affected with MBD4-related conditions. For these reasons, this variant has been classified as Pathogenic.

Literature cited by the submitters: PubMed 30049810; PubMed 35460607.

NC_000003.11:g.(?_129150344)_(129158676_?)del

Gene: MBD4 (methyl-CpG binding domain 4, DNA glycosylase; minus strand). Cytogenetic location: 3q21.3.
Variant type: Deletion.
Identifiers: ClinVar variation 3246992 (VCV003246992.1).